The following is an entry in ClinVar:

NM_007156.5(ZXDA):c.360C>T (p.Gly120=)

Gene: ZXDA (zinc finger X-linked duplicated A; minus strand). Cytogenetic location: Xp11.21.
Variant type: single nucleotide variant.
Coding change: c.360C>T on transcript NM_007156.5 (MANE Select); coding-DNA position 360, C replaced by T.
Protein change: p.Gly120=; no amino-acid change (glycine 120 retained).
Molecular consequence: synonymous variant.
Genome position (GRCh38, 1-based): chrX:57,910,061, G>A on the plus strand (C>T on the coding strand, the complement: ZXDA is on the minus strand). VCF-style: chrX-57910061-G-A. GRCh37 (hg19) VCF-style: chrX-57936495-G-A.
Identifiers: ClinVar variation 2660735 (VCV002660735.24), dbSNP rs2519749901, ClinGen allele CA516705483.

ClinVar aggregate classification (germline): Likely benign (1 of 4 stars; one submission).

Submission:

CeGaT Center for Human Genetics Tuebingen
Classification: Likely benign. Last evaluated: 2022-09-01. Review status: criteria provided, single submitter. Criteria: CeGaT Center For Human Genetics Tuebingen Variant Classification Criteria Version 2. Collection method: clinical testing. Allele origin: germline. Affected: yes. Observed: 1 variant allele.
Comment: ZXDA: PM2:Supporting, BP4, BP7